The following is an entry in ClinVar:

NM_003151.4(STAT4):c.137C>T (p.Ala46Val)

Gene: STAT4 (signal transducer and activator of transcription 4; minus strand). Cytogenetic location: 2q32.3.
Variant type: single nucleotide variant.
Coding change: c.137C>T on transcript NM_003151.4 (MANE Select); coding-DNA position 137, C replaced by T.
Protein change: p.Ala46Val; replaces alanine 46 with valine.
Molecular consequence: missense variant.
Genome position (GRCh38, 1-based): chr2:191,146,749, G>A on the plus strand (C>T on the coding strand, the complement: STAT4 is on the minus strand). VCF-style: chr2-191146749-G-A. GRCh37 (hg19) VCF-style: chr2-192011475-G-A.
Other names: c.137C>T, p.Ala46Val (NM_001243835.2); short protein forms A46V.
Identifiers: ClinVar variation 3648543 (VCV003648543.2).

ClinVar aggregate classification (germline): Uncertain significance (1 of 4 stars; one submission).

gnomAD v4.1: 1 of 1,537,942 alleles (0.000065%); highest among the groups gnomAD compares: Non-Finnish European, 0.000087%; no homozygotes.

Submission:

Labcorp Genetics (formerly Invitae), Labcorp
Classification: Uncertain significance. Last evaluated: 2025-09-08. Review status: criteria provided, single submitter. Criteria: Invitae Variant Classification Sherloc (09022015). Collection method: clinical testing. Allele origin: germline.
Comment: This sequence change replaces alanine, which is neutral and non-polar, with valine, which is neutral and non-polar, at codon 46 of the STAT4 protein (p.Ala46Val). This variant is not present in population databases (gnomAD no frequency). This variant has not been reported in the literature in individuals affected with STAT4-related conditions. ClinVar contains an entry for this variant (Variation ID: 3648543). Invitae Evidence Modeling of protein sequence and biophysical properties (such as structural, functional, and spatial information, amino acid conservation, physicochemical variation, residue mobility, and thermodynamic stability) indicates that this missense variant is not expected to disrupt STAT4 protein function with a negative predictive value of 80%. In summary, the available evidence is currently insufficient to determine the role of this variant in disease. Therefore, it has been classified as a Variant of Uncertain Significance.